The following is an entry in ClinVar:

ClinVar aggregate classification (germline): Conflicting classifications of pathogenicity. Review status: criteria provided, conflicting classifications (1 of 4 stars). 15 submissions from 14 submitters: Uncertain significance (4); Benign (1); Likely benign (6). 4 of the submissions do not count toward it. Last evaluated 2026-06-01.

Conditions:
Inborn genetic diseases. Identifiers: MedGen C0950123, MeSH D030342.
WDR19-related disorder. Also called: WDR19-related condition; WDR19-related disorders. Identifiers: MedGen CN380161.
Asphyxiating thoracic dystrophy 5 (SRTD5). Also called: SHORT-RIB THORACIC DYSPLASIA 5 WITH OR WITHOUT POLYDACTYLY; SHORT-RIB THORACIC DYSPLASIA 5 WITHOUT POLYDACTYLY. Identifiers: Orphanet 474, MedGen C3280598, MONDO:0013717, OMIM 614376.
Senior-Loken syndrome 8 (SLSN8). Identifiers: Orphanet 3156, MedGen C4225376, MONDO:0014579, OMIM 616307.
Connective tissue disorder. Also called: Connective tissue disease. Identifiers: MedGen C0009782, MONDO:0003900.
Cranioectodermal dysplasia 4 (CED4). Identifiers: Orphanet 1515, MedGen C3280616, MONDO:0013719, OMIM 614378.

Allele frequency attached by ClinVar (database versions not stated): 1000 Genomes Project 30x 0.00031; gnomAD 0.00275 and 0.00261; TOPMed 0.00278; gnomAD exomes 0.00279 and 0.00606; ESP Exome Variant Server 0.00421; 1000 Genomes Project 0.00020; ExAC 0.00265.
gnomAD v4.1: 9,044 of 1,613,688 alleles (0.56%); highest among the groups gnomAD compares: Non-Finnish European, 0.74%; 31 homozygotes.

Submissions (15):

CeGaT Center for Human Genetics Tuebingen
Classification: Likely benign. Last evaluated: 2026-06-01. Review status: criteria provided, single submitter. Criteria: CeGaT Center For Human Genetics Tuebingen Variant Classification Criteria Version 2. Collection method: clinical testing. Allele origin: germline. Affected: yes. Observed: 4 variant alleles.
Comment: WDR19: BS2

Labcorp Genetics (formerly Invitae), Labcorp
Classification: Benign for Senior-Loken syndrome 8; Asphyxiating thoracic dystrophy 5. Last evaluated: 2026-01-26. Review status: criteria provided, single submitter. Criteria: Invitae Variant Classification Sherloc (09022015). Collection method: clinical testing. Allele origin: germline.

Mayo Clinic Laboratories, Mayo Clinic
Classification: Likely benign. Last evaluated: 2025-12-07. Review status: criteria provided, single submitter. Criteria: ACMG Guidelines, 2015. Collection method: clinical testing. Allele origin: germline. Observed: 1 variant allele.
Comment: BS1

ARUP Laboratories, Molecular Genetics and Genomics, ARUP Laboratories
Classification: Uncertain significance. Last evaluated: 2024-11-25. Review status: criteria provided, single submitter. Criteria: ARUP Molecular Germline Variant Investigation Process 2024. Collection method: clinical testing. Allele origin: germline.
Comment: The WDR19 c.2792A>C; p.Tyr931Ser variant (rs187546086), to our knowledge, is not reported in the medical literature but is reported in ClinVar (Variation ID: 167843). This variant is found in the general population with an overall allele frequency of 0.27% (768/280184 alleles, including a single homozygote) in the Genome Aggregation Database (v2.1.1). Computational analyses are uncertain whether this variant is neutral or deleterious (REVEL: 0.308). While the relatively high population frequency suggests that this is likely a benign variant, given the lack of clinical and functional data, the significance of this variant is uncertain at this time.

Blueprint Genetics
Classification: Likely benign. Last evaluated: 2024-11-21. Review status: criteria provided, single submitter. Criteria: ACMG Guidelines, 2015. Collection method: clinical testing. Allele origin: germline.

Ambry Genetics
Classification: Uncertain significance for Inborn genetic diseases. Last evaluated: 2022-11-18. Review status: criteria provided, single submitter. Criteria: Ambry Variant Classification Scheme 2023. Collection method: clinical testing. Allele origin: germline.

Genome Diagnostics Laboratory, The Hospital for Sick Children
Classification: Uncertain significance for Connective tissue disorder. Last evaluated: 2021-03-01. Review status: criteria provided, single submitter. Criteria: ACMG Guidelines, 2015. Collection method: clinical testing. Allele origin: germline.

Illumina Laboratory Services, Illumina
Classification: Likely benign for Asphyxiating thoracic dystrophy 5. Last evaluated: 2018-01-12. Review status: criteria provided, single submitter. Criteria: ICSL Variant Classification Criteria 13 December 2019. Collection method: clinical testing. Allele origin: germline.
Comment: This variant was observed in the ICSL laboratory as part of a predisposition screen in an ostensibly healthy population. It had not been previously curated by ICSL or reported in the Human Gene Mutation Database (HGMD: prior to June 1st, 2018), and was therefore a candidate for classification through an automated scoring system. Utilizing variant allele frequency, disease prevalence and penetrance estimates, and inheritance mode, an automated score was calculated to assess if this variant is too frequent to cause the disease. Based on the score and internal cut-off values, a variant classified as likely benign is not then subjected to further curation. The score for this variant resulted in a classification of likely benign for this disease.

Illumina Laboratory Services, Illumina
Classification: Likely benign for Cranioectodermal dysplasia 4. Last evaluated: 2018-01-12. Review status: criteria provided, single submitter. Criteria: ICSL Variant Classification Criteria 13 December 2019. Collection method: clinical testing. Allele origin: germline.
Comment: the same text as in the submission from Illumina Laboratory Services, Illumina above.

Genetic Services Laboratory, University of Chicago
Classification: Likely benign. Last evaluated: 2015-10-15. Review status: criteria provided, single submitter. Criteria: ACMG Guidelines, 2015. Collection method: clinical testing. Allele origin: germline. Affected: no.

Eurofins Ntd Llc (ga)
Classification: Uncertain significance. Last evaluated: 2014-04-03. Review status: criteria provided, single submitter. Criteria: EGL Classification Definitions 2015. Collection method: clinical testing. Allele origin: germline. Observed: 1 variant allele, 1 heterozygote.

PreventionGenetics, part of Exact Sciences
Classification: Likely benign for WDR19-related condition. Last evaluated: 2019-05-17. Review status: no assertion criteria provided. Collection method: clinical testing. Allele origin: germline. Not counted in ClinVar's aggregate classification.
Comment: This variant is classified as likely benign based on ACMG/AMP sequence variant interpretation guidelines (Richards et al. 2015 PMID: 25741868, with internal and published modifications).

Clinical Genetics DNA and cytogenetics Diagnostics Lab, Erasmus MC, Erasmus Medical Center
Classification: Likely benign. Review status: no assertion criteria provided. Collection method: clinical testing. Allele origin: germline. Affected: yes. Study: VKGL Data-share Consensus. Not counted in ClinVar's aggregate classification.

Clinical Genetics, Academic Medical Center
Classification: Benign. Review status: no assertion criteria provided. Collection method: clinical testing. Allele origin: germline. Affected: yes. Study: VKGL Data-share Consensus. Not counted in ClinVar's aggregate classification.

Laboratory of Diagnostic Genome Analysis, Leiden University Medical Center (LUMC)
Classification: Likely benign. Review status: no assertion criteria provided. Collection method: clinical testing. Allele origin: germline. Affected: yes. Study: VKGL Data-share Consensus. Not counted in ClinVar's aggregate classification.

NM_025132.4(WDR19):c.2792A>C (p.Tyr931Ser)

Gene: WDR19 (WD repeat domain 19; plus strand). Cytogenetic location: 4p14.
Variant type: single nucleotide variant.
Coding change: c.2792A>C on transcript NM_025132.4 (MANE Select); coding-DNA position 2792, A replaced by C.
Protein change: p.Tyr931Ser; replaces tyrosine 931 with serine.
Molecular consequence: missense variant.
Genome position (GRCh38, 1-based): chr4:39,253,208, A>C. VCF-style: chr4-39253208-A-C. GRCh37 (hg19) VCF-style: chr4-39254828-A-C.
Other names: c.2312A>C, p.Tyr771Ser (NM_001317924.2); short protein forms Y931S, Y771S.
Identifiers: ClinVar variation 167843 (VCV000167843.51), dbSNP rs187546086, ClinGen allele CA235263.